The following is an entry in ClinVar:

ClinVar aggregate classification (germline): Pathogenic (1 of 4 stars; one submission).

Conditions:
Deficiency of malonyl-CoA decarboxylase. Also called: Malonic aciduria; MCD deficiency. Identifiers: Orphanet 943, MedGen C0342793, MONDO:0009556, OMIM 248360.

Submission:

Labcorp Genetics (formerly Invitae), Labcorp
Classification: Pathogenic for Deficiency of malonyl-CoA decarboxylase. Last evaluated: 2023-09-21. Review status: criteria provided, single submitter. Criteria: Invitae Variant Classification Sherloc (09022015). Collection method: clinical testing. Allele origin: germline.
Comment: For these reasons, this variant has been classified as Pathogenic. This variant has not been reported in the literature in individuals affected with MLYCD-related conditions. This variant is not present in population databases (gnomAD no frequency). This sequence change creates a premature translational stop signal (p.Gln83Argfs*123) in the MLYCD gene. It is expected to result in an absent or disrupted protein product. Loss-of-function variants in MLYCD are known to be pathogenic (PMID: 12955715, 17186413).

Literature cited by the submitters: PubMed 12955715; PubMed 17186413.

NM_012213.3(MLYCD):c.248_252del (p.Gln83fs)

Gene: MLYCD (malonyl-CoA decarboxylase; plus strand). Cytogenetic location: 16q23.3.
Variant type: Deletion.
Coding change: c.248_252del on transcript NM_012213.3 (MANE Select); coding-DNA positions 248 to 252, 5 bases deleted (AGCGG; older notation c.248_252delAGCGG).
Protein change: p.Gln83fs; shifts the reading frame from glutamine 83.
Molecular consequence: frameshift variant.
Genome position (GRCh38, 1-based): chr16:83,899,392-83,899,396, AGCGG deleted. VCF-style (leftmost placement, unchanged base first): chr16-83899391-CAGCGG-C. GRCh37 (hg19) VCF-style: chr16-83932996-CAGCGG-C.
Other names: short protein forms Q83fs.
Identifiers: ClinVar variation 2762272 (VCV002762272.3), dbSNP rs2507370941, ClinGen allele CA2697555970.